The following is an entry in ClinVar:

ClinVar aggregate classification (germline): Pathogenic (1 of 4 stars; one submission).

Conditions:
Waardenburg syndrome type 2A (WS2A). Also called: WAARDENBURG SYNDROME WITHOUT DYSTOPIA CANTHORUM. Identifiers: Orphanet 3440, MedGen C1860339, MONDO:0008671, OMIM 193510.

Submission:

Institute of Rare Diseases, West China Hospital, Sichuan University
Classification: Pathogenic for Waardenburg syndrome type 2A. Last evaluated: 2025-01-09. Review status: criteria provided, single submitter. Criteria: ClinGen HL ACMG Specifications v1. Collection method: research. Allele origin: germline. Affected: yes.
Comment: PM1;PVS1;PM2_Supporting

NM_001354604.2(MITF):c.802C>T (p.Gln268Ter)

Gene: MITF (melanocyte inducing transcription factor; plus strand). Cytogenetic location: 3p13.
Variant type: single nucleotide variant.
Coding change: c.802C>T on transcript NM_001354604.2 (MANE Select); coding-DNA position 802, C replaced by T.
Protein change: p.Gln268Ter; replaces glutamine 268 with a stop codon.
Molecular consequence: nonsense.
Genome position (GRCh38, 1-based): chr3:69,949,090, C>T. VCF-style: chr3-69949090-C-T. GRCh37 (hg19) VCF-style: chr3-69998241-C-T.
Other names: c.481C>T, p.Gln161Ter (NM_000248.4, NM_198158.3); c.646C>T, p.Gln216Ter (NM_001184967.2, NM_001354608.2); c.799C>T, p.Gln267Ter (NM_001354605.2, NM_001354606.2, NM_006722.3); c.751C>T, p.Gln251Ter (NM_001354607.2); c.802C>T, p.Gln268Ter (NM_198159.3); c.754C>T, p.Gln252Ter (NM_198177.3); c.313C>T, p.Gln105Ter (NM_198178.3); short protein forms Q105*, Q161*, Q216*, Q251*, Q252*, Q267*, Q268*.
Identifiers: ClinVar variation 3601249 (VCV003601249.1).